The following is an entry in ClinVar:

ClinVar aggregate classification (germline): Pathogenic/Likely pathogenic. Review status: criteria provided, multiple submitters, no conflicts (2 of 4 stars). 4 submissions from 4 submitters: Pathogenic (3); Likely pathogenic (1). Last evaluated 2025-01-22.

Conditions:
Hereditary cancer-predisposing syndrome. Also called: Tumor predisposition; Neoplastic Syndromes, Hereditary; Hereditary neoplastic syndrome; Hereditary Cancer Syndrome. Identifiers: Orphanet 140162, MedGen C0027672, MeSH D009386, MONDO:0015356.
Bloom syndrome (BLM). Also called: Bloom-Torre-Machacek syndrome. Identifiers: Orphanet 125, MedGen C0005859, MONDO:0008876, OMIM 210900.

Allele frequency attached by ClinVar (database versions not stated): gnomAD 0.00001; TOPMed 0.00001.
gnomAD v4.1: 1 of 1,604,634 alleles (0.000062%); highest among the groups gnomAD compares: Admixed American, 0.0017%; no homozygotes.

Submissions (4):

Natera, Inc.
Classification: Likely pathogenic for Bloom syndrome. Last evaluated: 2025-01-22. Review status: criteria provided, single submitter. Criteria: Natera Variant Classification Schema (03/2026). Collection method: clinical testing. Allele origin: germline.
Comment: The c.2258T>A variant in BLM is a nonsense variant predicted to introduce a stop codon at amino acid 753. This variant is expected to result in nonsense mediated decay, truncation, or a dysfunctional protein product. This variant is rare in the general population with a frequency below the threshold expected for the associated phenotype(s). Given the available evidence, this variant is classified as Likely Pathogenic.

Ambry Genetics
Classification: Pathogenic for Hereditary cancer-predisposing syndrome. Last evaluated: 2023-12-15. Review status: criteria provided, single submitter. Criteria: Ambry Variant Classification Scheme 2023. Collection method: clinical testing. Allele origin: germline.
Comment: The p.L753* pathogenic mutation (also known as c.2258T>A), located in coding exon 9 of the BLM gene, results from a T to A substitution at nucleotide position 2258. This changes the amino acid from a leucine to a stop codon within coding exon 9. This variant is considered to be rare based on population cohorts in the Genome Aggregation Database (gnomAD). This alteration is expected to result in loss of function by premature protein truncation or nonsense-mediated mRNA decay. As such, this alteration is interpreted as a disease-causing mutation.

Labcorp Genetics (formerly Invitae), Labcorp
Classification: Pathogenic for Bloom syndrome. Last evaluated: 2023-10-24. Review status: criteria provided, single submitter. Criteria: Invitae Variant Classification Sherloc (09022015). Collection method: clinical testing. Allele origin: germline.
Comment: This sequence change creates a premature translational stop signal (p.Leu753*) in the BLM gene. It is expected to result in an absent or disrupted protein product. Loss-of-function variants in BLM are known to be pathogenic (PMID: 17407155). This variant is not present in population databases (gnomAD no frequency). This variant has not been reported in the literature in individuals affected with BLM-related conditions. ClinVar contains an entry for this variant (Variation ID: 584888). For these reasons, this variant has been classified as Pathogenic.

Mendelics
Classification: Pathogenic for Bloom syndrome. Last evaluated: 2018-07-02. Review status: criteria provided, single submitter. Criteria: Mendelics Assertion Criteria 2017. Collection method: clinical testing. Allele origin: unknown.

Literature cited by the submitters: PubMed 17407155 (cited by Labcorp Genetics (formerly Invitae), Labcorp).

NM_000057.4(BLM):c.2258T>A (p.Leu753Ter)

Gene: BLM (BLM RecQ like helicase; plus strand). Cytogenetic location: 15q26.1.
Variant type: single nucleotide variant.
Coding change: c.2258T>A on transcript NM_000057.4 (MANE Select); coding-DNA position 2258, T replaced by A.
Protein change: p.Leu753Ter; replaces leucine 753 with a stop codon.
Molecular consequence: nonsense.
Genome position (GRCh38, 1-based): chr15:90,766,974, T>A. VCF-style: chr15-90766974-T-A. GRCh37 (hg19) VCF-style: chr15-91310204-T-A.
Other names: c.2258T>A, p.Leu753Ter (NM_001287246.2, NM_001287247.2); c.1133T>A, p.Leu378Ter (NM_001287248.2); c.2258T>A (NM_000057.2, NM_000057.3); short protein forms L753*, L378*.
Identifiers: ClinVar variation 584888 (VCV000584888.11), dbSNP rs1400231534, ClinGen allele CA393844900.